The following is an entry in ClinVar:

ClinVar aggregate classification (germline): Uncertain significance. Review status: criteria provided, multiple submitters, no conflicts (2 of 4 stars). 2 submissions from 2 submitters: Uncertain significance (2). Last evaluated 2024-05-26.

Conditions:
Hereditary cancer-predisposing syndrome. Also called: Hereditary neoplastic syndrome; Tumor predisposition; Neoplastic Syndromes, Hereditary; Hereditary Cancer Syndrome. Identifiers: Orphanet 140162, MedGen C0027672, MeSH D009386, MONDO:0015356.
Gorlin syndrome. Also called: Basal cell nevus syndrome; Nevoid Basal Cell Carcinoma Syndrome. Identifiers: Orphanet 377, MedGen C0004779, MONDO:0007187.

Submissions (2):

Ambry Genetics
Classification: Uncertain significance for Hereditary cancer-predisposing syndrome. Last evaluated: 2024-05-26. Review status: criteria provided, single submitter. Criteria: Ambry Variant Classification Scheme 2023. Collection method: clinical testing. Allele origin: germline.
Comment: The p.V690A variant (also known as c.2069T>C), located in coding exon 14 of the PTCH1 gene, results from a T to C substitution at nucleotide position 2069. The valine at codon 690 is replaced by alanine, an amino acid with similar properties. This amino acid position is conserved. In addition, this alteration is predicted to be tolerated by in silico analysis. Based on the available evidence, the clinical significance of this variant remains unclear.

Labcorp Genetics (formerly Invitae), Labcorp
Classification: Uncertain significance for Gorlin syndrome. Last evaluated: 2019-05-01. Review status: criteria provided, single submitter. Criteria: Invitae Variant Classification Sherloc (09022015). Collection method: clinical testing. Allele origin: germline.
Comment: In summary, the available evidence is currently insufficient to determine the role of this variant in disease. Therefore, it has been classified as a Variant of Uncertain Significance. Algorithms developed to predict the effect of missense changes on protein structure and function (SIFT, PolyPhen-2, Align-GVGD) all suggest that this variant is likely to be tolerated, but these predictions have not been confirmed by published functional studies and their clinical significance is uncertain. This variant has not been reported in the literature in individuals with PTCH1-related conditions. This variant is not present in population databases (ExAC no frequency). This sequence change replaces valine with alanine at codon 690 of the PTCH1 protein (p.Val690Ala). The valine residue is weakly conserved and there is a small physicochemical difference between valine and alanine.

NM_000264.5(PTCH1):c.2069T>C (p.Val690Ala)

Genes: PTCH1 (patched 1; minus strand), LOC100507346 (uncharacterized LOC100507346; plus strand). Cytogenetic location: 9q22.32.
Variant type: single nucleotide variant.
Coding change: c.2069T>C on transcript NM_000264.5 (MANE Select); coding-DNA position 2069, T replaced by C.
Protein change: p.Val690Ala; replaces valine 690 with alanine.
Molecular consequence: missense variant. On other transcripts: non-coding transcript variant (2).
Genome position (GRCh38, 1-based): chr9:95,468,932, A>G on the plus strand (T>C on the coding strand, the complement: PTCH1 is on the minus strand). VCF-style: chr9-95468932-A-G. GRCh37 (hg19) VCF-style: chr9-98231214-A-G.
Other names: c.1871T>C, p.Val624Ala (NM_001083602.3); c.2066T>C, p.Val689Ala (NM_001083603.3); c.1616T>C, p.Val539Ala (NM_001083604.3, NM_001083605.3, NM_001083606.3 and 1 more transcripts); c.1913T>C, p.Val638Ala (NM_001354918.2); short protein forms V624A, V689A, V638A, V690A, V539A.
Identifiers: ClinVar variation 952000 (VCV000952000.11), dbSNP rs1840294655, ClinGen allele CA374115723.